The following is an entry in ClinVar:

ClinVar aggregate classification (germline): not provided (0 of 4 stars; one submission).

Conditions:
Familial cold autoinflammatory syndrome 1 (FCAS1). Also called: CRYOPYRIN-ASSOCIATED PERIODIC SYNDROME 1; Familial cold inflammatory syndrome 1. Identifiers: Orphanet 47045, MedGen C4551895, MONDO:0007349, OMIM 120100.

Submission:

Unité médicale des maladies autoinflammatoires, CHRU Montpellier
No classification provided. Condition: Familial cold urticaria. Review status: no classification provided. Collection method: not provided. Allele origin: unknown.
Comment: also involved in OMIM 191900 and 607115

NM_001243133.2(NLRP3):c.1315G>C (p.Ala439Pro)

Gene: NLRP3 (NLR family pyrin domain containing 3; plus strand). Cytogenetic location: 1q44.
Variant type: single nucleotide variant.
Coding change: c.1315G>C on transcript NM_001243133.2 (MANE Select); coding-DNA position 1315, G replaced by C.
Protein change: p.Ala439Pro; replaces alanine 439 with proline.
Molecular consequence: missense variant.
Genome position (GRCh38, 1-based): chr1:247,424,764, G>C. VCF-style: chr1-247424764-G-C. GRCh37 (hg19) VCF-style: chr1-247588066-G-C.
Other names: c.1315G>C, p.Ala439Pro (NM_001079821.3, NM_001127461.3, NM_001127462.3 and 1 more transcripts); c.1321G>C, p.Ala441Pro (NM_004895.5); short protein forms A441P, A439P.
Identifiers: ClinVar variation 97926 (VCV000097926.1), dbSNP rs180177430, ClinGen allele CA281185.
Genomic context (GRCh38, chr1:247,424,764, plus strand): 5'-GGACTGAAACAGCAGATGGAGAGTGGCAAGAGCCTTGCCCAGACATCCAAGACCACCACC[G>C]CGGTGTACGTCTTCTTCCTTTCCAGTTTGCTGCAGCCCCGGGGAGGGAGCCAGGAGCACG-3'
Protein context (NP_001230062.1, residues 429-449): SLAQTSKTTT[Ala439Pro]VYVFFLSSLL